The following is an entry in ClinVar:

NM_002485.5(NBN):c.2261G>C (p.Arg754Thr)

Gene: NBN (nibrin; minus strand). Cytogenetic location: 8q21.3.
Variant type: single nucleotide variant.
Coding change: c.2261G>C on transcript NM_002485.5 (MANE Select); coding-DNA position 2261, G replaced by C.
Protein change: p.Arg754Thr; replaces arginine 754 with threonine.
Molecular consequence: missense variant.
Genome position (GRCh38, 1-based): chr8:89,935,586, C>G on the plus strand (G>C on the coding strand, the complement: NBN is on the minus strand). VCF-style: chr8-89935586-C-G. GRCh37 (hg19) VCF-style: chr8-90947814-C-G.
Other names: c.2015G>C, p.Arg672Thr (NM_001024688.3); short protein forms R672T, R754T.
Identifiers: ClinVar variation 1788646 (VCV001788646.2), dbSNP rs2130735629, ClinGen allele CA371674666.

ClinVar aggregate classification (germline): Uncertain significance (1 of 4 stars; one submission).

Conditions:
Hereditary cancer-predisposing syndrome. Also called: Hereditary Cancer Syndrome; Hereditary neoplastic syndrome; Tumor predisposition; Neoplastic Syndromes, Hereditary. Identifiers: Orphanet 140162, MedGen C0027672, MeSH D009386, MONDO:0015356.

Submission:

Ambry Genetics
Classification: Uncertain significance for Hereditary cancer-predisposing syndrome. Last evaluated: 2022-07-11. Review status: criteria provided, single submitter. Criteria: Ambry Variant Classification Scheme 2023. Collection method: clinical testing. Allele origin: germline.
Comment: The p.R754T variant (also known as c.2261G>C), located in coding exon 16 of the NBN gene, results from a G to C substitution at nucleotide position 2261. The arginine at codon 754 is replaced by threonine, an amino acid with similar properties. This amino acid position is conserved. In addition, the in silico prediction for this alteration is inconclusive. Since supporting evidence is limited at this time, the clinical significance of this alteration remains unclear.